The following is an entry in ClinVar:

ClinVar aggregate classification (germline): Uncertain significance. Review status: criteria provided, multiple submitters, no conflicts (2 of 4 stars). 2 submissions from 2 submitters: Uncertain significance (2). Last evaluated 2025-05-27.

Conditions:
Hereditary cancer-predisposing syndrome. Also called: Neoplastic Syndromes, Hereditary; Hereditary Cancer Syndrome; Tumor predisposition; Hereditary neoplastic syndrome. Identifiers: Orphanet 140162, MedGen C0027672, MeSH D009386, MONDO:0015356.

Submissions (2):

Ambry Genetics
Classification: Uncertain significance for Hereditary cancer-predisposing syndrome. Last evaluated: 2025-05-27. Review status: criteria provided, single submitter. Criteria: Ambry Variant Classification Scheme 2023. Collection method: clinical testing. Allele origin: germline.
Comment: The p.I1853F variant (also known as c.5557A>T), located in coding exon 41 of the POLE gene, results from an A to T substitution at nucleotide position 5557. The isoleucine at codon 1853 is replaced by phenylalanine, an amino acid with highly similar properties. This amino acid position is conserved. In addition, this alteration is predicted to be tolerated by in silico analysis. Based on the available evidence, the clinical significance of this variant remains unclear.

Labcorp Genetics (formerly Invitae), Labcorp
Classification: Uncertain significance. Last evaluated: 2023-08-07. Review status: criteria provided, single submitter. Criteria: Invitae Variant Classification Sherloc (09022015). Collection method: clinical testing. Allele origin: germline.
Comment: In summary, the available evidence is currently insufficient to determine the role of this variant in disease. Therefore, it has been classified as a Variant of Uncertain Significance. Advanced modeling of protein sequence and biophysical properties (such as structural, functional, and spatial information, amino acid conservation, physicochemical variation, residue mobility, and thermodynamic stability) performed at Invitae indicates that this missense variant is not expected to disrupt POLE protein function. This variant has not been reported in the literature in individuals affected with POLE-related conditions. This variant is not present in population databases (gnomAD no frequency). This sequence change replaces isoleucine, which is neutral and non-polar, with phenylalanine, which is neutral and non-polar, at codon 1853 of the POLE protein (p.Ile1853Phe).

NM_006231.4(POLE):c.5557A>T (p.Ile1853Phe)

Gene: POLE (DNA polymerase epsilon, catalytic subunit; minus strand). Cytogenetic location: 12q24.33.
Variant type: single nucleotide variant.
Coding change: c.5557A>T on transcript NM_006231.4 (MANE Select); coding-DNA position 5557, A replaced by T.
Protein change: p.Ile1853Phe; replaces isoleucine 1853 with phenylalanine.
Molecular consequence: missense variant.
Genome position (GRCh38, 1-based): chr12:132,638,135, T>A on the plus strand (A>T on the coding strand, the complement: POLE is on the minus strand). VCF-style: chr12-132638135-T-A. GRCh37 (hg19) VCF-style: chr12-133214721-T-A.
Other names: c.5557A>T (NM_006231.2); short protein forms I1853F.
Identifiers: ClinVar variation 2750764 (VCV002750764.4), dbSNP rs2138502586, ClinGen allele CA387374210.
Genomic context (GRCh38, chr12:132,638,135, plus strand): 5'-GGATGATGCGGTTGAAGTTGGCGTAGATGACTGATGACCCCAGGCGCTTGAACTCAGCGA[T>A]GAGCCTGTGGAGCAAGTTGAGAGTCCGTGGTGGAGACGCCACAGTCATGGAGAGCCAGAG-3'
Protein context (NP_006222.2, residues 1843-1863): NMMKKLFLQL[Ile1853Phe]AEFKRLGSSV